The following is an entry in ClinVar:

ClinVar aggregate classification (germline): Likely benign. Review status: criteria provided, multiple submitters, no conflicts (2 of 4 stars). 2 submissions from 2 submitters: Likely benign (2). Last evaluated 2025-04-28.

Conditions:
Hereditary diffuse gastric adenocarcinoma (HDGC). Also called: DIFFUSE GASTRIC AND LOBULAR BREAST CANCER SYNDROME. Identifiers: Orphanet 26106, MedGen C1708349, MONDO:0007648, OMIM 137215.

Submissions (2):

Labcorp Genetics (formerly Invitae), Labcorp
Classification: Likely benign. Last evaluated: 2025-04-28. Review status: criteria provided, single submitter. Criteria: Invitae Variant Classification Sherloc (09022015). Collection method: clinical testing. Allele origin: germline.

Myriad Genetics, Inc.
Classification: Likely benign for Hereditary diffuse gastric adenocarcinoma. Last evaluated: 2024-10-14. Review status: criteria provided, single submitter. Criteria: Myriad Autosomal Dominant, Autosomal Recessive and X-Linked Classification Criteria (2023). Collection method: clinical testing. Allele origin: unknown.
Comment: This variant is considered likely benign. This variant is intronic and is not expected to impact mRNA splicing.

NM_001903.5(CTNNA1):c.1900-13dup

Gene: CTNNA1 (catenin alpha 1; plus strand). Cytogenetic location: 5q31.2.
Variant type: Duplication.
Coding change: c.1900-13dup on transcript NM_001903.5 (MANE Select); 13 bases into the intron before coding-DNA position 1900, one base duplicated (G; older notation c.1900-13dupG).
Molecular consequence: intron variant.
Genome position (GRCh38, 1-based): chr5:138,929,233, G duplicated. VCF-style (leftmost placement, unchanged base first): chr5-138929232-T-TG. GRCh37 (hg19) VCF-style: chr5-138264921-T-TG.
Other names: c.1900-13dup (NM_001323982.2, NM_001323984.2, NM_001290307.3 and 2 more transcripts); c.1807-13dup (NM_001323986.2); c.1531-13dup (NM_001290310.3); c.1591-13dup (NM_001290309.3); c.790-13dup (NM_001323996.1, NM_001323993.1, NM_001324005.1 and 17 more transcripts); c.451-13dup (NM_001324007.1, NM_001324009.1, NM_001324006.1 and 2 more transcripts); c.547-13dup (NM_001324013.1, NM_001324012.1); c.697-13dup (NM_001324011.1).
Identifiers: ClinVar variation 1545592 (VCV001545592.9), dbSNP rs2150324492, ClinGen allele CA2573139145.